The following is an entry in ClinVar:

ClinVar aggregate classification (germline): Uncertain significance. Review status: criteria provided, multiple submitters, no conflicts (2 of 4 stars). 2 submissions from 2 submitters: Uncertain significance (2). Last evaluated 2022-09-29.

Conditions:
Cardiovascular phenotype. Identifiers: MedGen CN230736.
Hypertrophic cardiomyopathy. Also called: HYPERTROPHIC MYOCARDIOPATHY. Identifiers: Orphanet 217569, MedGen C0007194, MeSH D002312, MONDO:0005045, HP:0001639.

Submissions (2):

Labcorp Genetics (formerly Invitae), Labcorp
Classification: Uncertain significance for Hypertrophic cardiomyopathy. Last evaluated: 2022-09-29. Review status: criteria provided, single submitter. Criteria: Invitae Variant Classification Sherloc (09022015). Collection method: clinical testing. Allele origin: germline.
Comment: This sequence change replaces threonine, which is neutral and polar, with serine, which is neutral and polar, at codon 53 of the TPM1 protein (p.Thr53Ser). In summary, the available evidence is currently insufficient to determine the role of this variant in disease. Therefore, it has been classified as a Variant of Uncertain Significance. Algorithms developed to predict the effect of missense changes on protein structure and function (SIFT, PolyPhen-2, Align-GVGD) all suggest that this variant is likely to be tolerated. This variant has not been reported in the literature in individuals affected with TPM1-related conditions. This variant is not present in population databases (gnomAD no frequency).

Ambry Genetics
Classification: Uncertain significance for Cardiovascular phenotype. Last evaluated: 2020-09-24. Review status: criteria provided, single submitter. Criteria: Ambry Variant Classification Scheme 2023. Collection method: clinical testing. Allele origin: germline.
Comment: The p.T53S variant (also known as c.157A>T), located in coding exon 2 of the TPM1 gene, results from an A to T substitution at nucleotide position 157. The threonine at codon 53 is replaced by serine, an amino acid with similar properties. This amino acid position is highly conserved in available vertebrate species. In addition, this alteration is predicted to be deleterious by in silico analysis. Since supporting evidence is limited at this time, the clinical significance of this alteration remains unclear.

NM_001018005.2(TPM1):c.157A>T (p.Thr53Ser)

Gene: TPM1 (tropomyosin 1; plus strand). Cytogenetic location: 15q22.2.
Variant type: single nucleotide variant.
Coding change: c.157A>T on transcript NM_001018005.2 (MANE Select); coding-DNA position 157, A replaced by T.
Protein change: p.Thr53Ser; replaces threonine 53 with serine.
Molecular consequence: missense variant. On other transcripts: intron variant (3).
Genome position (GRCh38, 1-based): chr15:63,044,069, A>T. VCF-style: chr15-63044069-A-T. GRCh37 (hg19) VCF-style: chr15-63336268-A-T.
Other names: c.157A>T, p.Thr53Ser (NM_000366.6, NM_001018004.2, NM_001018006.2 and 10 more transcripts); c.283A>T, p.Thr95Ser (NM_001365778.1, NM_001407322.1, NM_001407323.1 and 1 more transcripts); c.240+238A>T (NM_001018020.2, NM_001018007.2, NM_001301244.2); short protein forms T53S, T95S.
Identifiers: ClinVar variation 1720646 (VCV001720646.7), dbSNP rs2542431723, ClinGen allele CA392718568.